The following is an entry in ClinVar:

ClinVar aggregate classification (germline): Pathogenic. Review status: criteria provided, multiple submitters, no conflicts (2 of 4 stars). 2 submissions from 2 submitters: Pathogenic (2). Last evaluated 2025-07-29.

Conditions:
Hereditary cancer-predisposing syndrome. Also called: Hereditary neoplastic syndrome; Tumor predisposition; Hereditary Cancer Syndrome; Neoplastic Syndromes, Hereditary. Identifiers: Orphanet 140162, MedGen C0027672, MeSH D009386, MONDO:0015356.
Familial adenomatous polyposis 1 (FAP1). Also called: FAMILIAL ADENOMATOUS POLYPOSIS 1, ATTENUATED; POLYPOSIS, ADENOMATOUS INTESTINAL. Identifiers: MedGen C2713442, MONDO:0021056, OMIM 175100. Disease mechanism: loss of function.

Submissions (2):

Ambry Genetics
Classification: Pathogenic for Hereditary cancer-predisposing syndrome. Last evaluated: 2025-07-29. Review status: criteria provided, single submitter. Criteria: Ambry Variant Classification Scheme 2023. Collection method: clinical testing. Allele origin: germline.
Comment: The c.1239_1240delAC pathogenic mutation, located in coding exon 9 of the APC gene, results from a deletion of two nucleotides at nucleotide positions 1239 to 1240, causing a translational frameshift with a predicted alternate stop codon (p.I413Mfs*5). This variant is considered to be rare based on population cohorts in the Genome Aggregation Database (gnomAD). This alteration is expected to result in loss of function by premature protein truncation or nonsense-mediated mRNA decay. As such, this alteration is interpreted as a disease-causing mutation.

Labcorp Genetics (formerly Invitae), Labcorp
Classification: Pathogenic for Familial adenomatous polyposis 1. Last evaluated: 2022-08-23. Review status: criteria provided, single submitter. Criteria: Invitae Variant Classification Sherloc (09022015). Collection method: clinical testing. Allele origin: germline.
Comment: This sequence change creates a premature translational stop signal (p.Ile413Metfs*5) in the APC gene. It is expected to result in an absent or disrupted protein product. Loss-of-function variants in APC are known to be pathogenic (PMID: 17963004, 20685668). This variant is not present in population databases (gnomAD no frequency). For these reasons, this variant has been classified as Pathogenic. ClinVar contains an entry for this variant (Variation ID: 1070006). This variant has not been reported in the literature in individuals affected with APC-related conditions.

Literature cited by the submitters: PubMed 17963004 (cited by Labcorp Genetics (formerly Invitae), Labcorp); PubMed 20685668 (cited by Labcorp Genetics (formerly Invitae), Labcorp).

NM_000038.6(APC):c.1239_1240del (p.Ile413fs)

Gene: APC (APC regulator of Wnt signaling pathway; plus strand). Cytogenetic location: 5q22.2.
Variant type: Deletion.
Coding change: c.1239_1240del on transcript NM_000038.6 (MANE Select); coding-DNA positions 1239 to 1240, 2 bases deleted (AC; older notation c.1239_1240delAC).
Protein change: p.Ile413fs; shifts the reading frame from isoleucine 413.
Molecular consequence: frameshift variant.
Genome position (GRCh38, 1-based): chr5:112,819,271-112,819,272, AC deleted. VCF-style (leftmost placement, unchanged base first): chr5-112819270-TAC-T. GRCh37 (hg19) VCF-style: chr5-112154967-TAC-T.
Other names: c.1239_1240delAC (NM_000038.5); c.1239_1240del, p.Ile413fs (NM_001127510.3, NM_001354895.2, NM_001354896.2); c.1185_1186del, p.Ile395fs (NM_001127511.3); c.1269_1270del, p.Ile423fs (NM_001354897.2); c.1164_1165del, p.Ile388fs (NM_001354898.2); c.1155_1156del, p.Ile385fs (NM_001354899.2); c.1062_1063del, p.Ile354fs (NM_001354900.2, NM_001354901.2); c.966_967del, p.Ile322fs (NM_001354902.2); and 4 more; short protein forms I130fs, I253fs, I287fs, I312fs, I322fs, I354fs, I385fs, I388fs.
Identifiers: ClinVar variation 1070006 (VCV001070006.9), dbSNP rs2149782982, ClinGen allele CA2499217448.